The following is an entry in ClinVar:

NM_000363.5(TNNI3):c.373-1G>T

Gene: TNNI3 (troponin I3, cardiac type; minus strand). Cytogenetic location: 19q13.42.
Variant type: single nucleotide variant.
Coding change: c.373-1G>T on transcript NM_000363.5 (MANE Select); the canonical splice acceptor site of the intron before coding-DNA position 373, G replaced by T.
Molecular consequence: splice acceptor variant.
Genome position (GRCh38, 1-based): chr19:55,154,207, C>A on the plus strand (G>T on the coding strand, the complement: TNNI3 is on the minus strand). VCF-style: chr19-55154207-C-A. GRCh37 (hg19) VCF-style: chr19-55665575-C-A.
Identifiers: ClinVar variation 3703833 (VCV003703833.3).
Genomic context (GRCh38, chr19:55,154,207, plus strand): 5'-CAGGGTGGGCCGCTTAAACTTGCCTCGAAGGTCAAAGATCTTCTGAGTCAGATCTGCAAT[C>A]TGGGGGCACACGAGGGGGTGGGTACTTCTCCTTCCATTTCCCGCACACCCAACTCCTCCA-3'

ClinVar aggregate classification (germline): Likely pathogenic. Review status: criteria provided, multiple submitters, no conflicts (2 of 4 stars). 2 submissions from 2 submitters: Likely pathogenic (2). Last evaluated 2026-01-20.

Conditions:
Hypertrophic cardiomyopathy. Also called: HYPERTROPHIC MYOCARDIOPATHY. Identifiers: Orphanet 217569, MedGen C0007194, MeSH D002312, MONDO:0005045, HP:0001639.
Hypertrophic cardiomyopathy 7. Also called: TNNI3-Related Familial Hypertrophic Cardiomyopathy; Familial hypertrophic cardiomyopathy 7; CARDIOMYOPATHY, FAMILIAL HYPERTROPHIC, 7, MODIFIER OF. Identifiers: MedGen C1860752, MONDO:0013369, OMIM 613690.

Submissions (2):

3billion
Classification: Likely pathogenic for Hypertrophic cardiomyopathy 7. Last evaluated: 2026-01-20. Review status: criteria provided, single submitter. Criteria: ACMG Guidelines, 2015. Collection method: clinical testing. Allele origin: germline. Affected: yes.
Comment: The variant is not observed in the gnomAD v4.1.0 dataset. Predicted Consequence/Location: Canonical splice site: predicted to alter splicing and result in a loss or disruption of normal protein function. Multiple pathogenic loss-of-function variants are reported downstream of the variant. In silico tools predict the variant to alter splicing and produce an abnormal transcript [SpliceAI: 1.00 (spliceogenicity >=0.2, non-spliceogenicity <0.1)]. The variant has been reported to be associated with TNNI3-related disorder (ClinVar ID: VCV003703833). Therefore, this variant is classified as Likely pathogenic according to the recommendation of ACMG/AMP guideline.

Labcorp Genetics (formerly Invitae), Labcorp
Classification: Likely pathogenic for Hypertrophic cardiomyopathy. Last evaluated: 2024-04-17. Review status: criteria provided, single submitter. Criteria: Invitae Variant Classification Sherloc (09022015). Collection method: clinical testing. Allele origin: germline.
Comment: This sequence change affects an acceptor splice site in intron 6 of the TNNI3 gene. It is expected to disrupt RNA splicing. Variants that disrupt the donor or acceptor splice site typically lead to a loss of protein function (PMID: 16199547), and loss-of-function variants in TNNI3 are known to be pathogenic (PMID: 31568572, 34036930, 35838873). This variant is not present in population databases (gnomAD no frequency). This variant has not been reported in the literature in individuals affected with TNNI3-related conditions. Algorithms developed to predict the effect of sequence changes on RNA splicing suggest that this variant may disrupt the consensus splice site. In summary, the currently available evidence indicates that the variant is pathogenic, but additional data are needed to prove that conclusively. Therefore, this variant has been classified as Likely Pathogenic.

Literature cited by the submitters: PubMed 16199547 (cited by Labcorp Genetics (formerly Invitae), Labcorp); PubMed 31568572 (cited by Labcorp Genetics (formerly Invitae), Labcorp); PubMed 34036930 (cited by Labcorp Genetics (formerly Invitae), Labcorp); PubMed 35838873 (cited by Labcorp Genetics (formerly Invitae), Labcorp).